The following is an entry in ClinVar:

ClinVar aggregate classification (germline): Uncertain significance (1 of 4 stars; one submission).

Submission:

GeneDx
Classification: Uncertain significance. Last evaluated: 2025-05-12. Review status: criteria provided, single submitter. Criteria: GeneDx Variant Classification Process June 2021. Collection method: clinical testing. Allele origin: germline. Affected: yes.
Comment: Not observed at significant frequency in large population cohorts (gnomAD); In silico analysis suggests that this missense variant does not alter protein structure/function; Has not been previously published as pathogenic or benign to our knowledge

NM_015570.4(AUTS2):c.473T>C (p.Leu158Pro)

Gene: AUTS2 (activator of transcription and developmental regulator AUTS2; plus strand). Cytogenetic location: 7q11.22.
Variant type: single nucleotide variant.
Coding change: c.473T>C on transcript NM_015570.4 (MANE Select); coding-DNA position 473, T replaced by C.
Protein change: p.Leu158Pro; replaces leucine 158 with proline.
Molecular consequence: missense variant.
Genome position (GRCh38, 1-based): chr7:69,899,449, T>C. VCF-style: chr7-69899449-T-C. GRCh37 (hg19) VCF-style: chr7-69364435-T-C.
Other names: c.473T>C, p.Leu158Pro (NM_001127231.3, NM_001127232.3); short protein forms L158P.
Identifiers: ClinVar variation 4529762 (VCV004529762.1).